The following is an entry in ClinVar:

NM_024513.4(FYCO1):c.4319C>T (p.Thr1440Ile)

Gene: FYCO1 (FYVE and coiled-coil domain autophagy adaptor 1; minus strand). Cytogenetic location: 3p21.31.
Variant type: single nucleotide variant.
Coding change: c.4319C>T on transcript NM_024513.4 (MANE Select); coding-DNA position 4319, C replaced by T.
Protein change: p.Thr1440Ile; replaces threonine 1440 with isoleucine.
Molecular consequence: missense variant.
Genome position (GRCh38, 1-based): chr3:45,923,698, G>A on the plus strand (C>T on the coding strand, the complement: FYCO1 is on the minus strand). VCF-style: chr3-45923698-G-A. GRCh37 (hg19) VCF-style: chr3-45965190-G-A.
Other names: c.4319C>T (NM_024513.2); short protein forms T1440I.
Identifiers: ClinVar variation 345495 (VCV000345495.42), dbSNP rs41289612, ClinGen allele CA2352333.

ClinVar aggregate classification (germline): Conflicting classifications of pathogenicity. Review status: criteria provided, conflicting classifications (1 of 4 stars). 7 submissions from 7 submitters: Uncertain significance (1); Benign (1); Likely benign (5). Last evaluated 2026-08-01.

Conditions:
Cataract 18 (CATC2). Also called: CATARACT 18, AUTOSOMAL RECESSIVE. Identifiers: Orphanet 91492, Orphanet 98991, Orphanet 98992, Orphanet 98995, MedGen C1864908, MONDO:0012395, OMIM 610019.
Inborn genetic diseases. Identifiers: MedGen C0950123, MeSH D030342.

Allele frequency attached by ClinVar (database versions not stated): 1000 Genomes Project 0.00260; 1000 Genomes Project 30x 0.00312; ExAC 0.00344; gnomAD exomes 0.00355 and 0.00568; ESP Exome Variant Server 0.00431; gnomAD 0.00436 and 0.00446; TOPMed 0.00443.
gnomAD v4.1: 8,947 of 1,614,120 alleles (0.55%); highest among the groups gnomAD compares: Non-Finnish European, 0.67%; 35 homozygotes.

Submissions (7):

CeGaT Center for Human Genetics Tuebingen
Classification: Likely benign. Last evaluated: 2026-08-01. Review status: criteria provided, single submitter. Criteria: CeGaT Center For Human Genetics Tuebingen Variant Classification Criteria Version 2. Collection method: clinical testing. Allele origin: germline. Affected: yes. Observed: 4 variant alleles.
Comment: FYCO1: BP4, BS2

Labcorp Genetics (formerly Invitae), Labcorp
Classification: Benign for Cataract 18. Last evaluated: 2026-01-16. Review status: criteria provided, single submitter. Criteria: Invitae Variant Classification Sherloc (09022015). Collection method: clinical testing. Allele origin: germline.

GeneDx
Classification: Likely benign. Last evaluated: 2024-12-17. Review status: criteria provided, single submitter. Criteria: GeneDx Variant Classification Process June 2021. Collection method: clinical testing. Allele origin: germline. Affected: yes.
Comment: See Variant Classification Assertion Criteria.

Blueprint Genetics
Classification: Likely benign. Last evaluated: 2024-11-26. Review status: criteria provided, single submitter. Criteria: ACMG Guidelines, 2015. Collection method: clinical testing. Allele origin: germline.

Ambry Genetics
Classification: Uncertain significance for Inborn genetic diseases. Last evaluated: 2021-10-26. Review status: criteria provided, single submitter. Criteria: Ambry Variant Classification Scheme 2023. Collection method: clinical testing. Allele origin: germline.

Illumina Laboratory Services, Illumina
Classification: Likely benign for Cataract 18. Last evaluated: 2018-01-13. Review status: criteria provided, single submitter. Criteria: ICSL Variant Classification Criteria 13 December 2019. Collection method: clinical testing. Allele origin: germline.
Comment: This variant was observed in the ICSL laboratory as part of a predisposition screen in an ostensibly healthy population. It had not been previously curated by ICSL or reported in the Human Gene Mutation Database (HGMD: prior to June 1st, 2018), and was therefore a candidate for classification through an automated scoring system. Utilizing variant allele frequency, disease prevalence and penetrance estimates, and inheritance mode, an automated score was calculated to assess if this variant is too frequent to cause the disease. Based on the score and internal cut-off values, a variant classified as likely benign is not then subjected to further curation. The score for this variant resulted in a classification of likely benign for this disease.

Breakthrough Genomics
Classification: Likely benign. Review status: criteria provided, single submitter. Criteria: ACMG Guidelines, 2015. Collection method: not provided. Allele origin: germline. Inheritance: Autosomal recessive inheritance. Affected: yes.